The following is an entry in ClinVar:

NM_014425.5(INVS):c.615G>C (p.Leu205=)

Gene: INVS (inversin; plus strand). Cytogenetic location: 9q31.1.
Variant type: single nucleotide variant.
Coding change: c.615G>C on transcript NM_014425.5 (MANE Select); coding-DNA position 615, G replaced by C.
Protein change: p.Leu205=; no amino-acid change (leucine 205 retained).
Molecular consequence: synonymous variant. On other transcripts: 5 prime UTR variant (1), non-coding transcript variant (1).
Genome position (GRCh38, 1-based): chr9:100,229,827, G>C. VCF-style: chr9-100229827-G-C. GRCh37 (hg19) VCF-style: chr9-102992109-G-C.
Other names: c.327G>C, p.Leu109= (NM_001318381.2); c.-375G>C (NM_001318382.2).
Identifiers: ClinVar variation 1513924 (VCV001513924.3), dbSNP rs140664868, ClinGen allele CA5158197.

ClinVar aggregate classification (germline): Uncertain significance (1 of 4 stars; one submission).

Conditions:
Nephronophthisis. Also called: Juvenile Nephronophthisis. Identifiers: Orphanet 655, MedGen C0687120, MONDO:0019005, HP:0000090.

Allele frequency attached by ClinVar (database versions not stated): 1000 Genomes Project 0.00040; 1000 Genomes Project 30x 0.00047.
gnomAD v4.1: 14 of 1,613,974 alleles (0.00087%); highest among the groups gnomAD compares: African/African-American, 0.015%; no homozygotes.

Submission:

Labcorp Genetics (formerly Invitae), Labcorp
Classification: Uncertain significance for Nephronophthisis. Last evaluated: 2021-05-19. Review status: criteria provided, single submitter. Criteria: Invitae Variant Classification Sherloc (09022015). Collection method: clinical testing. Allele origin: germline.
Comment: This sequence change affects codon 205 of the INVS mRNA. It is a 'silent' change, meaning that it does not change the encoded amino acid sequence of the INVS protein. This variant also falls at the last nucleotide of exon 5, which is part of the consensus splice site for this exon. This variant is present in population databases (rs140664868, ExAC 0.04%). This variant has not been reported in the literature in individuals with INVS-related conditions. Nucleotide substitutions within the consensus splice site are a relatively common cause of aberrant splicing (PMID: 17576681, 9536098). Algorithms developed to predict the effect of sequence changes on RNA splicing suggest that this variant may disrupt the consensus splice site, but this prediction has not been confirmed by published transcriptional studies. In summary, the available evidence is currently insufficient to determine the role of this variant in disease. Therefore, it has been classified as a Variant of Uncertain Significance.

Literature cited by the submitters: PubMed 17576681; PubMed 9536098.